The following is an entry in ClinVar:

ClinVar aggregate classification (germline): Uncertain significance (1 of 4 stars; one submission).

Conditions:
Cardiomyopathy (CMYO). Also called: Cardiomyopathies. Identifiers: Orphanet 167848, MedGen C0878544, MONDO:0004994, HP:0001638. Inheritance: Various modes of inheritance.

Submission:

Color Diagnostics, LLC DBA Color Health
Classification: Uncertain significance for Cardiomyopathy. Last evaluated: 2024-03-06. Review status: criteria provided, single submitter. Criteria: ACMG Guidelines, 2015. Collection method: clinical testing. Allele origin: germline.
Comment: This missense variant replaces glutamic acid with glycine at codon 1020 of the DSG2 protein. Computational prediction suggests that this variant may not impact protein structure and function (internally defined REVEL score threshold <= 0.5, PMID: 27666373). To our knowledge, functional studies have not been reported for this variant. This variant has not been reported in individuals affected with cardiovascular disorders in the literature. This variant has not been identified in the general population by the Genome Aggregation Database (gnomAD). The available evidence is insufficient to determine the role of this variant in disease conclusively. Therefore, this variant is classified as a Variant of Uncertain Significance.

NM_001943.5(DSG2):c.3059A>G (p.Glu1020Gly)

Genes: DSG2 (desmoglein 2; plus strand), DSG2-AS1 (DSG2 antisense RNA 1; minus strand). Cytogenetic location: 18q12.1.
Variant type: single nucleotide variant.
Coding change: c.3059A>G on transcript NM_001943.5 (MANE Select); coding-DNA position 3059, A replaced by G.
Protein change: p.Glu1020Gly; replaces glutamic acid 1020 with glycine.
Molecular consequence: missense variant.
Genome position (GRCh38, 1-based): chr18:31,546,445, A>G. VCF-style: chr18-31546445-A-G. GRCh37 (hg19) VCF-style: chr18-29126408-A-G.
Other names: short protein forms E1020G.
Identifiers: ClinVar variation 1332316 (VCV001332316.3), dbSNP rs1485010309, ClinGen allele CA402148172.